The following is an entry in ClinVar:

ClinVar aggregate classification (germline): Uncertain significance (1 of 4 stars; one submission).

Conditions:
Autosomal dominant hypocalcemia 1 (HYPOC1). Also called: HYPOCALCEMIA, FAMILIAL. Identifiers: MedGen C3715128, MONDO:0011013, OMIM 601198.
Familial hypocalciuric hypercalcemia (FHH). Also called: Familial benign hypercalcemia. Identifiers: Orphanet 405, MedGen C1809471, MONDO:0018458.

Allele frequency attached by ClinVar (database versions not stated): gnomAD exomes below 0.00001.
gnomAD v4.1: 2 of 1,614,044 alleles (0.00012%); highest among the groups gnomAD compares: Non-Finnish European, 0.00017%; no homozygotes.

Submission:

Labcorp Genetics (formerly Invitae), Labcorp
Classification: Uncertain significance for Familial hypocalciuric hypercalcemia; Autosomal dominant hypocalcemia 1. Last evaluated: 2022-07-01. Review status: criteria provided, single submitter. Criteria: Invitae Variant Classification Sherloc (09022015). Collection method: clinical testing. Allele origin: germline.
Comment: In summary, the available evidence is currently insufficient to determine the role of this variant in disease. Therefore, it has been classified as a Variant of Uncertain Significance. This variant disrupts the p.Gly509 amino acid residue in CASR. Other variant(s) that disrupt this residue have been determined to be pathogenic (PMID: 17698911, 24763815, 32638038). This suggests that this residue is clinically significant, and that variants that disrupt this residue are likely to be disease-causing. Algorithms developed to predict the effect of missense changes on protein structure and function (SIFT, PolyPhen-2, Align-GVGD) all suggest that this variant is likely to be disruptive. This missense change has been observed in individual(s) with hypercalcemia (PMID: 21414629). This variant is not present in population databases (gnomAD no frequency). This sequence change replaces glycine, which is neutral and non-polar, with alanine, which is neutral and non-polar, at codon 509 of the CASR protein (p.Gly509Ala).

Literature cited by the submitters: PubMed 17698911; PubMed 24763815; PubMed 32638038; PubMed 21414629.

NM_000388.4(CASR):c.1526G>C (p.Gly509Ala)

Gene: CASR (calcium sensing receptor; plus strand). Cytogenetic location: 3q21.1.
Variant type: single nucleotide variant.
Coding change: c.1526G>C on transcript NM_000388.4 (MANE Select); coding-DNA position 1526, G replaced by C.
Protein change: p.Gly509Ala; replaces glycine 509 with alanine.
Molecular consequence: missense variant.
Genome position (GRCh38, 1-based): chr3:122,275,960, G>C. VCF-style: chr3-122275960-G-C. GRCh37 (hg19) VCF-style: chr3-121994807-G-C.
Other names: c.1526G>C, p.Gly509Ala (NM_001178065.2); short protein forms G509A.
Identifiers: ClinVar variation 2203415 (VCV002203415.4), dbSNP rs1060502845, ClinGen allele CA354155288.
Genomic context (GRCh38, chr3:122,275,960, plus strand): 5'-ATTCCATCATCAACTGGCACCTCTCCCCAGAGGATGGCTCCATCGTGTTTAAGGAAGTCG[G>C]GTATTACAACGTCTATGCCAAGAAGGGAGAAAGACTCTTCATCAACGAGGAGAAAATCCT-3'
Protein context (NP_000379.3, residues 499-519): EDGSIVFKEV[Gly509Ala]YYNVYAKKGE